The following is an entry in ClinVar:

ClinVar aggregate classification (germline): Uncertain significance (1 of 4 stars; one submission).

gnomAD v4.1: 2 of 1,613,776 alleles (0.00012%); highest among the groups gnomAD compares: Non-Finnish European, 0.000085%; no homozygotes.

Submission:

Ambry Genetics
Classification: Uncertain significance. Last evaluated: 2026-06-21. Review status: criteria provided, single submitter. Criteria: Ambry Variant Classification Scheme 2023. Collection method: clinical testing. Allele origin: germline.
Comment: The p.S664C variant (also known as c.1991C>G), located in coding exon 4 of the TMPO gene, results from a C to G substitution at nucleotide position 1991. The serine at codon 664 is replaced by cysteine, an amino acid with dissimilar properties. This amino acid position is conserved. In addition, this alteration is predicted to be tolerated by in silico analysis. Based on the available evidence, the clinical significance of this variant remains unclear.

NM_001032283.3(TMPO):c.565+2410C>G

Gene: TMPO (thymopoietin; plus strand). Cytogenetic location: 12q23.1.
Variant type: single nucleotide variant.
Coding change: c.565+2410C>G on transcript NM_001032283.3 (MANE Select); 2410 bases into the intron after coding-DNA position 565, C replaced by G.
Molecular consequence: intron variant. On other transcripts: missense variant (1).
Genome position (GRCh38, 1-based): chr12:98,534,248, C>G. VCF-style: chr12-98534248-C-G. GRCh37 (hg19) VCF-style: chr12-98928026-C-G.
Other names: c.1991C>G, p.Ser664Cys (NM_003276.2); c.565+2410C>G (NM_001307975.2, NM_001032284.3); short protein forms S664C.
Identifiers: ClinVar variation 5030960 (VCV005030960.1).